The following is an entry in ClinVar:

NM_012469.4(PRPF6):c.2776A>T (p.Ile926Phe)

Gene: PRPF6 (pre-mRNA processing factor 6; plus strand). Cytogenetic location: 20q13.33.
Variant type: single nucleotide variant.
Coding change: c.2776A>T on transcript NM_012469.4 (MANE Select); coding-DNA position 2776, A replaced by T.
Protein change: p.Ile926Phe; replaces isoleucine 926 with phenylalanine.
Molecular consequence: missense variant.
Genome position (GRCh38, 1-based): chr20:64,032,943, A>T. VCF-style: chr20-64032943-A-T. GRCh37 (hg19) VCF-style: chr20-62664296-A-T.
Other names: c.2776A>T (NM_012469.3); short protein forms I926F.
Identifiers: ClinVar variation 2974375 (VCV002974375.4), dbSNP rs1352445786, ClinGen allele CA409748322.
Genomic context (GRCh38, chr20:64,032,943, plus strand): 5'-CCTCGGCATGGGGAGCTGTGGTGCGCCGTGTCCAAGGACATCGCCAACTGGCAGAAGAAG[A>T]TCGGGGACATCCTTAGGCTGGTGGCCGGCCGCATCAAGAACACCTTCTGATTGAGCGGTT-3'
Protein context (NP_036601.2, residues 916-936): SKDIANWQKK[Ile926Phe]GDILRLVAGR

ClinVar aggregate classification (germline): Uncertain significance. Review status: criteria provided, multiple submitters, no conflicts (2 of 4 stars). 2 submissions from 2 submitters: Uncertain significance (2). Last evaluated 2025-08-20.

Allele frequency attached by ClinVar (database versions not stated): gnomAD 0.00001.
gnomAD v4.1: 1 of 1,613,290 alleles (0.000062%); highest among the groups gnomAD compares: Admixed American, 0.0017%; no homozygotes.

Submissions (2):

Ambry Genetics
Classification: Uncertain significance. Last evaluated: 2025-08-20. Review status: criteria provided, single submitter. Criteria: Ambry Variant Classification Scheme 2023. Collection method: clinical testing. Allele origin: germline.

Labcorp Genetics (formerly Invitae), Labcorp
Classification: Uncertain significance. Last evaluated: 2023-04-13. Review status: criteria provided, single submitter. Criteria: Invitae Variant Classification Sherloc (09022015). Collection method: clinical testing. Allele origin: germline.
Comment: In summary, the available evidence is currently insufficient to determine the role of this variant in disease. Therefore, it has been classified as a Variant of Uncertain Significance. Advanced modeling of protein sequence and biophysical properties (such as structural, functional, and spatial information, amino acid conservation, physicochemical variation, residue mobility, and thermodynamic stability) performed at Invitae indicates that this missense variant is not expected to disrupt PRPF6 protein function. This variant has not been reported in the literature in individuals affected with PRPF6-related conditions. This variant is present in population databases (no rsID available, gnomAD 0.003%). This sequence change replaces isoleucine, which is neutral and non-polar, with phenylalanine, which is neutral and non-polar, at codon 926 of the PRPF6 protein (p.Ile926Phe).